The following is an entry in ClinVar:

NM_002693.3(POLG):c.210G>T (p.Arg70=)

Genes: POLG (DNA polymerase gamma, catalytic subunit; minus strand), POLGARF (POLG alternative reading frame; minus strand). Cytogenetic location: 15q26.1.
Variant type: single nucleotide variant.
Coding change: c.210G>T on transcript NM_002693.3 (MANE Select); coding-DNA position 210, G replaced by T.
Protein change: p.Arg70=; no amino-acid change (arginine 70 retained).
Molecular consequence: synonymous variant.
Genome position (GRCh38, 1-based): chr15:89,333,545, C>A on the plus strand (G>T on the coding strand, the complement: POLG is on the minus strand). VCF-style: chr15-89333545-C-A. GRCh37 (hg19) VCF-style: chr15-89876776-C-A.
Other names: c.210G>T, p.Arg70= (NM_001126131.2).
Identifiers: ClinVar variation 619464 (VCV000619464.15), dbSNP rs751225754, ClinGen allele CA7725162.

ClinVar aggregate classification (germline): Benign/Likely benign. Review status: criteria provided, multiple submitters, no conflicts (2 of 4 stars). 5 submissions from 5 submitters: Benign (1); Likely benign (3). 1 of the submissions does not count toward it. Last evaluated 2025-11-24.

Conditions:
POLG-related disorder. Also called: POLG-Related Spectrum Disorders; POLG-related condition; POLG-Related Disorders. Identifiers: MedGen C4763519.
Progressive sclerosing poliodystrophy (MTDPS4A). Also called: Alpers Syndrome; Mitochondrial DNA depletion syndrome 4A (Alpers type); Mitochondrial DNA Depletion Syndrome 4A; Alpers-Huttenlocher Syndrome (AHS); ALPERS PROGRESSIVE INFANTILE POLIODYSTROPHY; ALPERS DIFFUSE DEGENERATION OF CEREBRAL GRAY MATTER WITH HEPATIC CIRRHOSIS. Identifiers: Orphanet 726, MedGen C0205710, MONDO:0008758, OMIM 203700.

Allele frequency attached by ClinVar (database versions not stated): ExAC 0.00003.
gnomAD v4.1: 7 of 1,612,524 alleles (0.00043%); highest among the groups gnomAD compares: Middle Eastern, 0.017%; no homozygotes.

Submissions (5):

Labcorp Genetics (formerly Invitae), Labcorp
Classification: Likely benign for Progressive sclerosing poliodystrophy. Last evaluated: 2025-11-24. Review status: criteria provided, single submitter. Criteria: Invitae Variant Classification Sherloc (09022015). Collection method: clinical testing. Allele origin: germline.

Blueprint Genetics
Classification: Likely benign. Last evaluated: 2023-08-18. Review status: criteria provided, single submitter. Criteria: ACMG Guidelines, 2015. Collection method: clinical testing. Allele origin: germline.

Wong Mito Lab, Molecular and Human Genetics, Baylor College of Medicine
Classification: Likely benign for Progressive sclerosing poliodystrophy. Last evaluated: 2018-10-01. Review status: criteria provided, single submitter. Criteria: ACMG Guidelines, 2015. Collection method: clinical testing. Allele origin: germline.
Comment: The NM_002693.2:c.210G>T (NP_002684.1:p.Arg70=) [GRCH38: NC_000015.10:g.89333545C>A] variant in POLG gene is interpretated to be a Likely Benign based on ACMG guidelines (PMID: 25741868). This variant meets the following evidence codes reported in the ACMG-guideline. BP4:Computational evidence/predictors indicate no impact on the POLG structure, function, or protein-protein interaction. BP7:The variant is silent with non predicted splice impact. Based on the evidence criteria codes applied, the variant is suggested to be Likely Benign.

GeneDx
Classification: Benign. Last evaluated: 2015-03-03. Review status: criteria provided, single submitter. Criteria: GeneDx Variant Classification Process June 2021. Collection method: clinical testing. Allele origin: germline. Affected: yes.

PreventionGenetics, part of Exact Sciences
Classification: Likely benign for POLG-related condition. Last evaluated: 2020-01-20. Review status: no assertion criteria provided. Collection method: clinical testing. Allele origin: germline. Not counted in ClinVar's aggregate classification.
Comment: This variant is classified as likely benign based on ACMG/AMP sequence variant interpretation guidelines (Richards et al. 2015 PMID: 25741868, with internal and published modifications).